The following is an entry in ClinVar:

ClinVar aggregate classification (germline): Uncertain significance. Review status: criteria provided, multiple submitters, no conflicts (2 of 4 stars). 4 submissions from 4 submitters: Uncertain significance (4). Last evaluated 2024-02-12.

Conditions:
Myopathy, centronuclear, 5 (CNM5). Identifiers: Orphanet 169186, MedGen C4014814, MONDO:0014418, OMIM 615959.
Myopathy, centronuclear, 2 (CNM2). Also called: MYOTUBULAR MYOPATHY, AUTOSOMAL RECESSIVE. Identifiers: Orphanet 169186, MedGen CN031787, MONDO:0009709, OMIM 255200.

Allele frequency attached by ClinVar (database versions not stated): gnomAD exomes below 0.00001.
gnomAD v4.1: 4 of 1,613,030 alleles (0.00025%); highest among the groups gnomAD compares: East Asian, 0.0022%; no homozygotes.

Submissions (4):

Institute of Human Genetics, University of Leipzig Medical Center
Classification: Uncertain significance for Myopathy, centronuclear, 2. Last evaluated: 2024-02-12. Review status: criteria provided, single submitter. Criteria: ACMG Guidelines, 2015. Collection method: clinical testing. Allele origin: unknown. Inheritance: Autosomal recessive inheritance. Affected: yes.
Comment: Criteria applied: PM2_SUP,PM3_SUP,PP3

3billion
Classification: Uncertain significance for Myopathy, centronuclear, 5. Last evaluated: 2024-01-03. Review status: criteria provided, single submitter. Criteria: ACMG Guidelines, 2015. Collection method: clinical testing. Allele origin: germline. Affected: yes.
Comment: The variant is observed at an extremely low frequency in the gnomAD v2.1.1 dataset (total allele frequency: <0.001%). Predicted Consequence/Location: The majority of the known disease-causing variants of this gene are variants expected to result in premature termination of the protein. In silico tool predictions suggest damaging effect of the variant on gene or gene product [REVEL: 0.84 (>=0.6, sensitivity 0.68 and specificity 0.92); 3Cnet: 0.03 (>=0.6, sensitivity 0.72 and precision 0.9)]. Therefore, this variant is classified as VUS according to the recommendation of ACMG/AMP guideline.

Blueprint Genetics
Classification: Uncertain significance. Last evaluated: 2021-06-24. Review status: criteria provided, single submitter. Criteria: ACMG Guidelines, 2015. Collection method: clinical testing. Allele origin: germline.

Suma Genomics
Classification: Uncertain significance for Myopathy, centronuclear, 5. Review status: criteria provided, single submitter. Criteria: ACMG Guidelines, 2015. Collection method: clinical testing. Allele origin: inherited. Inheritance: Autosomal recessive inheritance. Affected: yes.

NM_005876.5(SPEG):c.9389C>T (p.Pro3130Leu)

Genes: ASIC4-AS1 (ASIC4 antisense RNA 1; minus strand), SPEG (striated muscle enriched protein kinase; plus strand). Cytogenetic location: 2q35.
Variant type: single nucleotide variant.
Coding change: c.9389C>T on transcript NM_005876.5 (MANE Select); coding-DNA position 9389, C replaced by T.
Protein change: p.Pro3130Leu; replaces proline 3130 with leucine.
Molecular consequence: missense variant.
Genome position (GRCh38, 1-based): chr2:219,491,797, C>T. VCF-style: chr2-219491797-C-T. GRCh37 (hg19) VCF-style: chr2-220356519-C-T.
Other names: short protein forms P3130L.
Identifiers: ClinVar variation 1228382 (VCV001228382.4), dbSNP rs1376293618, ClinGen allele CA350717614.
Genomic context (GRCh38, chr2:219,491,797, plus strand): 5'-GCCCCCACTTCCCTGCCACCAGGAAGCTGGGTCAGCTTGGCCTCTGTCTCCTGTCAGCTC[C>T]GGAGATGGTGAAGGGAGAACCCATCGGCTCTGCCACGGACATCTGGGGAGCGGGTGTGCT-3'
Protein context (NP_005867.3, residues 3120-3140): HRTGTLEFMA[Pro3130Leu]EMVKGEPIGS